The following is an entry in ClinVar:

ClinVar aggregate classification (germline): Benign. Review status: criteria provided, multiple submitters, no conflicts (2 of 4 stars). 4 submissions from 4 submitters: Benign (3). 1 of the submissions does not count toward it. Last evaluated 2023-10-09.

Conditions:
SRC-related disorder. Also called: SRC-related condition.

Allele frequency attached by ClinVar (database versions not stated): gnomAD 0.01457 and 0.01559; TOPMed 0.01614; ESP Exome Variant Server 0.01661; 1000 Genomes Project 30x 0.01390; 1000 Genomes Project 0.01258.
gnomAD v4.1: 4,434 of 1,611,470 alleles (0.28%); highest among the groups gnomAD compares: African/African-American, 4.9%; 103 homozygotes.

Submissions (4):

Mayo Clinic Laboratories, Mayo Clinic
Classification: Benign. Last evaluated: 2023-10-09. Review status: criteria provided, single submitter. Criteria: ACMG Guidelines, 2015. Collection method: clinical testing. Allele origin: germline. Observed: 9 variant alleles.
Comment: BA1, BP4, BP7

Labcorp Genetics (formerly Invitae), Labcorp
Classification: Benign. Last evaluated: 2019-12-31. Review status: criteria provided, single submitter. Criteria: Invitae Variant Classification Sherloc (09022015). Collection method: clinical testing. Allele origin: germline.

Breakthrough Genomics
Classification: Benign. Review status: criteria provided, single submitter. Criteria: ACMG Guidelines, 2015. Collection method: not provided. Allele origin: germline. Inheritance: Autosomal dominant inheritance. Affected: yes.

PreventionGenetics, part of Exact Sciences
Classification: Benign for SRC-related condition. Last evaluated: 2024-02-08. Review status: no assertion criteria provided. Collection method: clinical testing. Allele origin: germline. Not counted in ClinVar's aggregate classification.
Comment: This variant is classified as benign based on ACMG/AMP sequence variant interpretation guidelines (Richards et al. 2015 PMID: 25741868, with internal and published modifications).

NM_198291.3(SRC):c.554-5C>T

Gene: SRC (SRC proto-oncogene, non-receptor tyrosine kinase; plus strand). Cytogenetic location: 20q11.23.
Variant type: single nucleotide variant.
Coding change: c.554-5C>T on transcript NM_198291.3 (MANE Select); 5 bases into the intron before coding-DNA position 554, C replaced by T.
Molecular consequence: intron variant.
Genome position (GRCh38, 1-based): chr20:37,396,157, C>T. VCF-style: chr20-37396157-C-T. GRCh37 (hg19) VCF-style: chr20-36024560-C-T.
Other names: p.?; c.554-5C>T (NM_005417.5).
Identifiers: ClinVar variation 777572 (VCV000777572.8), dbSNP rs6012117, ClinGen allele CA9847825.